The following is an entry in ClinVar:

NM_002303.6(LEPR):c.2674-5906A>G

Gene: LEPR (leptin receptor; plus strand). Cytogenetic location: 1p31.3.
Variant type: single nucleotide variant.
Coding change: c.2674-5906A>G on transcript NM_002303.6 (MANE Select); 5906 bases into the intron before coding-DNA position 2674, A replaced by G.
Molecular consequence: intron variant. On other transcripts: synonymous variant (2).
Genome position (GRCh38, 1-based): chr1:65,630,285, A>G. VCF-style: chr1-65630285-A-G. GRCh37 (hg19) VCF-style: chr1-66095968-A-G.
Other names: c.2757A>G, p.Pro919= (NM_001003680.3, NM_001198687.2); c.2674-2867A>G (NM_001003679.3, NM_001198689.2).
Identifiers: ClinVar variation 3350690 (VCV003350690.1).
Genomic context (GRCh38, chr1:65,630,285, plus strand): 5'-TAAGAGTCATCACCACTCCCTAATCTCAAGTACCCAGGGACACAAACACTGCGGAAGGCC[A>G]CAGGGTCCTCTGCATAGGAAAACCAGAGACCTTTGTTCACTTGTTTATCTGCTGACCCTC-3'

ClinVar aggregate classification (germline): Likely benign (0 of 4 stars; one submission).

Conditions:
LEPR-related disorder. Also called: LEPR-related condition; LEPR-related disorders.

Submission:

PreventionGenetics, part of Exact Sciences
Classification: Likely benign for LEPR-related condition. Last evaluated: 2021-07-12. Review status: no assertion criteria provided. Collection method: clinical testing. Allele origin: germline.
Comment: This variant is classified as likely benign based on ACMG/AMP sequence variant interpretation guidelines (Richards et al. 2015 PMID: 25741868, with internal and published modifications).